The following is an entry in ClinVar:

NM_176824.3(BBS7):c.1340G>T (p.Cys447Phe)

Gene: BBS7 (Bardet-Biedl syndrome 7; minus strand). Cytogenetic location: 4q27.
Variant type: single nucleotide variant.
Coding change: c.1340G>T on transcript NM_176824.3 (MANE Select); coding-DNA position 1340, G replaced by T.
Protein change: p.Cys447Phe; replaces cysteine 447 with phenylalanine.
Molecular consequence: missense variant.
Genome position (GRCh38, 1-based): chr4:121,839,662, C>A on the plus strand (G>T on the coding strand, the complement: BBS7 is on the minus strand). VCF-style: chr4-121839662-C-A. GRCh37 (hg19) VCF-style: chr4-122760817-C-A.
Other names: c.1340G>T, p.Cys447Phe (NM_018190.4); short protein forms C447F.
Identifiers: ClinVar variation 1462212 (VCV001462212.6), dbSNP rs2149061880, ClinGen allele CA358060203.
Genomic context (GRCh38, chr4:121,839,662, plus strand): 5'-CAAGTAAAGGTAATTTCTAATATTTTTACCTTGAGTTCCAGCCTTGTAGTATCTGCCTGG[C>A]ACCGATAAGTGGCAAGAAGGAAGTTGTCGTTTGACTGGGAAGAATACAAAGTGGAGGAAA-3'
Protein context (NP_789794.1, residues 437-457): NDNFLLATYR[Cys447Phe]QADTTRLELK

ClinVar aggregate classification (germline): Uncertain significance (1 of 4 stars; one submission).

Conditions:
Bardet-Biedl syndrome (BBS). Identifiers: Orphanet 110, MedGen C0752166, MONDO:0015229.

Submission:

Labcorp Genetics (formerly Invitae), Labcorp
Classification: Uncertain significance for Bardet-Biedl syndrome. Last evaluated: 2021-07-10. Review status: criteria provided, single submitter. Criteria: Invitae Variant Classification Sherloc (09022015). Collection method: clinical testing. Allele origin: germline.
Comment: This sequence change replaces cysteine with phenylalanine at codon 447 of the BBS7 protein (p.Cys447Phe). The cysteine residue is highly conserved and there is a large physicochemical difference between cysteine and phenylalanine. This variant is not present in population databases (ExAC no frequency). This variant has not been reported in the literature in individuals affected with BBS7-related conditions. Algorithms developed to predict the effect of missense changes on protein structure and function (SIFT, PolyPhen-2, Align-GVGD) all suggest that this variant is likely to be disruptive. In summary, the available evidence is currently insufficient to determine the role of this variant in disease. Therefore, it has been classified as a Variant of Uncertain Significance.